The following is an entry in ClinVar:

ClinVar aggregate classification (germline): Likely benign. Review status: criteria provided, multiple submitters, no conflicts (2 of 4 stars). 4 submissions from 4 submitters: Likely benign (4). Last evaluated 2025-11-18.

Allele frequency attached by ClinVar (database versions not stated): TOPMed 0.00003; gnomAD 0.00004 and 0.00005; gnomAD exomes 0.00004 and 0.00006; ExAC 0.00007.
gnomAD v4.1: 69 of 1,613,956 alleles (0.0043%); highest among the groups gnomAD compares: Middle Eastern, 0.13%; no homozygotes.

Submissions (4):

Labcorp Genetics (formerly Invitae), Labcorp
Classification: Likely benign. Last evaluated: 2025-11-18. Review status: criteria provided, single submitter. Criteria: Invitae Variant Classification Sherloc (09022015). Collection method: clinical testing. Allele origin: germline.

Blueprint Genetics
Classification: Likely benign. Last evaluated: 2024-10-03. Review status: criteria provided, single submitter. Criteria: ACMG Guidelines, 2015. Collection method: clinical testing. Allele origin: germline.

CeGaT Center for Human Genetics Tuebingen
Classification: Likely benign. Last evaluated: 2023-10-01. Review status: criteria provided, single submitter. Criteria: CeGaT Center For Human Genetics Tuebingen Variant Classification Criteria Version 2. Collection method: clinical testing. Allele origin: germline. Affected: yes. Observed: 1 variant allele.
Comment: TUBGCP6: BP4, BP7

Breakthrough Genomics
Classification: Likely benign. Review status: criteria provided, single submitter. Criteria: ACMG Guidelines, 2015. Collection method: not provided. Allele origin: germline. Inheritance: Autosomal recessive inheritance. Affected: yes.

NM_020461.4(TUBGCP6):c.1047G>A (p.Glu349=)

Gene: TUBGCP6 (tubulin gamma complex component 6; minus strand). Cytogenetic location: 22q13.33.
Variant type: single nucleotide variant.
Coding change: c.1047G>A on transcript NM_020461.4 (MANE Select); coding-DNA position 1047, G replaced by A.
Protein change: p.Glu349=; no amino-acid change (glutamic acid 349 retained).
Molecular consequence: synonymous variant.
Genome position (GRCh38, 1-based): chr22:50,233,385, C>T on the plus strand (G>A on the coding strand, the complement: TUBGCP6 is on the minus strand). VCF-style: chr22-50233385-C-T. GRCh37 (hg19) VCF-style: chr22-50671814-C-T.
Identifiers: ClinVar variation 1644580 (VCV001644580.33), dbSNP rs750202143, ClinGen allele CA10308854.